The following is an entry in ClinVar:

ClinVar aggregate classification (germline): Uncertain significance (1 of 4 stars; one submission).

Conditions:
X-linked immunodeficiency with magnesium defect, Epstein-Barr virus infection and neoplasia. Identifiers: Orphanet 317476, MedGen C3275445, MONDO:0010455, OMIM 300853.

Submission:

Labcorp Genetics (formerly Invitae), Labcorp
Classification: Uncertain significance for X-linked immunodeficiency with magnesium defect, Epstein-Barr virus infection and neoplasia. Last evaluated: 2024-11-07. Review status: criteria provided, single submitter. Criteria: Invitae Variant Classification Sherloc (09022015). Collection method: clinical testing. Allele origin: germline.
Comment: This sequence change replaces asparagine, which is neutral and polar, with serine, which is neutral and polar, at codon 166 of the MAGT1 protein (p.Asn166Ser). This variant is not present in population databases (gnomAD no frequency). This variant has not been reported in the literature in individuals affected with MAGT1-related conditions. Invitae Evidence Modeling of protein sequence and biophysical properties (such as structural, functional, and spatial information, amino acid conservation, physicochemical variation, residue mobility, and thermodynamic stability) indicates that this missense variant is not expected to disrupt MAGT1 protein function with a negative predictive value of 80%. In summary, the available evidence is currently insufficient to determine the role of this variant in disease. Therefore, it has been classified as a Variant of Uncertain Significance.

NM_001367916.1(MAGT1):c.401A>G (p.Asn134Ser)

Gene: MAGT1 (magnesium transporter 1; minus strand). Cytogenetic location: Xq21.1.
Variant type: single nucleotide variant.
Coding change: c.401A>G on transcript NM_001367916.1 (MANE Select); coding-DNA position 401, A replaced by G.
Protein change: p.Asn134Ser; replaces asparagine 134 with serine.
Molecular consequence: missense variant.
Genome position (GRCh38, 1-based): chrX:77,857,487, T>C on the plus strand (A>G on the coding strand, the complement: MAGT1 is on the minus strand). VCF-style: chrX-77857487-T-C. GRCh37 (hg19) VCF-style: chrX-77112984-T-C.
Other names: c.497A>G, p.Asn166Ser (NM_032121.5); short protein forms N134S, N166S.
Identifiers: ClinVar variation 3681223 (VCV003681223.2).